The following is an entry in ClinVar:

ClinVar aggregate classification (germline): Likely benign (1 of 4 stars; one submission).

Submission:

CeGaT Center for Human Genetics Tuebingen
Classification: Likely benign. Last evaluated: 2026-04-01. Review status: criteria provided, single submitter. Criteria: CeGaT Center For Human Genetics Tuebingen Variant Classification Criteria Version 2. Collection method: clinical testing. Allele origin: germline. Affected: yes. Observed: 4 variant alleles.
Comment: TNRC6B: PM2:Supporting, BP4, BP7

NM_001162501.2(TNRC6B):c.2508T>C (p.Ala836=)

Gene: TNRC6B (trinucleotide repeat containing adaptor 6B; plus strand). Cytogenetic location: 22q13.1.
Variant type: single nucleotide variant.
Coding change: c.2508T>C on transcript NM_001162501.2 (MANE Select); coding-DNA position 2508, T replaced by C.
Protein change: p.Ala836=; no amino-acid change (alanine 836 retained).
Molecular consequence: synonymous variant. On other transcripts: intron variant (1).
Genome position (GRCh38, 1-based): chr22:40,266,738, T>C. VCF-style: chr22-40266738-T-C. GRCh37 (hg19) VCF-style: chr22-40662742-T-C.
Other names: c.2508T>C, p.Ala836= (NM_015088.3); c.566-3384T>C (NM_001024843.2).
Identifiers: ClinVar variation 3905300 (VCV003905300.10).
Genomic context (GRCh38, chr22:40,266,738, plus strand): 5'-GAATAAACAACACCAACAGCAGCAGCCCCCACAGCAGCCGCCGCCACCACAACCAGAGGC[T>C]TCTGGTTCGTGGGGAGGCCCACCCCCACCACCTCCAGGCAACGTTCGACCTTCCAATTCC-3'
Protein context (NP_001155973.1, residues 826-846): PQQPPPPQPE[Ala836=]SGSWGGPPPP